The following is an entry in ClinVar:

NM_001457.4(FLNB):c.303del (p.Ile102fs)

Gene: FLNB (filamin B; plus strand). Cytogenetic location: 3p14.3.
Variant type: Deletion.
Coding change: c.303del on transcript NM_001457.4 (MANE Select); coding-DNA position 303, one base deleted (C; older notation c.303delC).
Protein change: p.Ile102fs; shifts the reading frame from isoleucine 102.
Molecular consequence: frameshift variant.
Genome position (GRCh38, 1-based): chr3:58,077,056, C deleted; the last of 2 consecutive C bases (chr3:58,077,055-58,077,056); deleting either gives the same sequence. VCF-style (leftmost placement, unchanged base first): chr3-58077054-GC-G. GRCh37 (hg19) VCF-style: chr3-58062781-GC-G.
Other names: c.303del, p.Ile102fs (NM_001164317.2, NM_001164318.2, NM_001164319.2); short protein forms I102fs.
Identifiers: ClinVar variation 2855701 (VCV002855701.3), dbSNP rs2470990473, ClinGen allele CA2666261096.

ClinVar aggregate classification (germline): Pathogenic (1 of 4 stars; one submission).

Submission:

Labcorp Genetics (formerly Invitae), Labcorp
Classification: Pathogenic. Last evaluated: 2023-04-12. Review status: criteria provided, single submitter. Criteria: Invitae Variant Classification Sherloc (09022015). Collection method: clinical testing. Allele origin: germline.
Comment: For these reasons, this variant has been classified as Pathogenic. This variant has not been reported in the literature in individuals affected with FLNB-related conditions. This variant is not present in population databases (gnomAD no frequency). This sequence change creates a premature translational stop signal (p.Ile102Leufs*6) in the FLNB gene. It is expected to result in an absent or disrupted protein product. Loss-of-function variants in FLNB are known to be pathogenic (PMID: 14991055).

Literature cited by the submitters: PubMed 14991055.